The following is an entry in ClinVar:

NM_000402.4(G6PD):c.298T>C (p.Tyr100His)

Gene: G6PD (glucose-6-phosphate dehydrogenase; minus strand). Cytogenetic location: Xq28.
Variant type: single nucleotide variant.
Coding change: c.298T>C on transcript NM_000402.4; coding-DNA position 298, T replaced by C.
Protein change: p.Tyr100His; replaces tyrosine 100 with histidine.
Molecular consequence: missense variant.
Genome position (GRCh38, 1-based): chrX:154,535,996, A>G on the plus strand (T>C on the coding strand, the complement: G6PD is on the minus strand). VCF-style: chrX-154535996-A-G. GRCh37 (hg19) VCF-style: chrX-153764211-A-G.
Other names: G6PD, HIS70TYR; H70Y; G6PD Namoru; c.208T>C, p.Tyr70His (NM_001042351.3, NM_001360016.2); c.208T>C (NM_001042351.1); short protein forms Y100H, Y70H.
Identifiers: ClinVar variation 10416 (VCV000010416.16), dbSNP rs137852349, ClinGen allele CA121055.
Genomic context (GRCh38, chrX:154,535,996, plus strand): 5'-CCTTGAAGAAGGGCTCACTCTGTTTGCGGATGTCAGCCACTGTGAGGCGGGAACGGGCAT[A>G]GCCCACGATGAAGGTGTTTTCGGGCAGAAGGCCATCCCGGAACAGCCACCTGAGGGCAGG-3'

ClinVar aggregate classification (germline): Pathogenic/Likely pathogenic. Review status: criteria provided, multiple submitters, no conflicts (2 of 4 stars). 7 submissions from 7 submitters: Pathogenic (4); Likely pathogenic (2). 1 of the submissions does not count toward it. Last evaluated 2024-11-25.

Conditions:
G6PD-related disorders.
Anemia, nonspherocytic hemolytic, due to G6PD deficiency (CNSHA1). Also called: ANEMIA, CONGENITAL, NONSPHEROCYTIC HEMOLYTIC, 1; Class I glucose-6-phosphate dehydrogenase deficiency; Favism, susceptibility to; Hemolytic anemia due to G6PD deficiency. Identifiers: Orphanet 466026, MedGen C2720289, MONDO:0010480, OMIM 300908.
G6PD NAMORU.

Allele frequency attached by ClinVar (database versions not stated): gnomAD exomes below 0.00001 and 0.00002; ExAC 0.00003.
gnomAD v4.1: 6 of 1,211,968 alleles (0.0005%); highest among the groups gnomAD compares: South Asian, 0.007%; 1 homozygote.

Submissions (7):

GeneDx
Classification: Pathogenic. Last evaluated: 2024-11-25. Review status: criteria provided, single submitter. Criteria: GeneDx Variant Classification Process June 2021. Collection method: clinical testing. Allele origin: germline. Affected: yes.
Comment: Class II variant according to the WHO classification system, associated with episodes of acute hemolytic anemia and enzyme activity at less than 10% of wild-type (PMID: 28297664); In silico analysis supports that this missense variant has a deleterious effect on protein structure/function; Also known as G6PD Namoru; This variant is associated with the following publications: (PMID: 7825590, 33069889, 36681081, 25885177, 15727905, 32425388, 38085718, 17611006, 18985093, 26139767, 20713184, 17233850, 8807085, 28297664)

Blueprint Genetics
Classification: Pathogenic for G6PD-related disorders. Last evaluated: 2023-12-20. Review status: criteria provided, single submitter. Criteria: ACMG Guidelines, 2015. Collection method: clinical testing. Allele origin: germline. Affected: yes. Observed: 1 variant allele.

Dunham Lab, University of Washington
Classification: Pathogenic for Anemia, nonspherocytic hemolytic, due to G6PD deficiency. Last evaluated: 2022-08-12. Review status: criteria provided, single submitter. Criteria: Bayesian ACMG Guidelines, 2018. Collection method: curation. Allele origin: unknown. Affected: yes.
Comment: Variant found in unrelated hemizygotes with deficiency and anemia (PS4_M, PP4). Decreased activity in red blood cells (4-33%) (PS3). Predicted to be damaging by SIFT and PolyPhen (PP3). Below expected carrier frequency in gnomAD (PM2). Post_P 0.994 (odds of pathogenicity 1517, Prior_P 0.1).

Revvity Omics, Revvity
Classification: Likely pathogenic for Anemia, nonspherocytic hemolytic, due to G6PD deficiency. Last evaluated: 2022-08-04. Review status: criteria provided, single submitter. Criteria: ACMG Guidelines, 2015. Collection method: clinical testing. Allele origin: germline.

Labcorp Genetics (formerly Invitae), Labcorp
Classification: Pathogenic for Anemia, nonspherocytic hemolytic, due to G6PD deficiency. Last evaluated: 2022-06-10. Review status: criteria provided, single submitter. Criteria: Invitae Variant Classification Sherloc (09022015). Collection method: clinical testing. Allele origin: germline.
Comment: For these reasons, this variant has been classified as Pathogenic. This variant disrupts the p.Tyr70 amino acid residue in G6PD. Other variant(s) that disrupt this residue have been determined to be pathogenic (PMID: 7577654, 20621077, 21446359; Invitae). This suggests that this residue is clinically significant, and that variants that disrupt this residue are likely to be disease-causing. Advanced modeling of protein sequence and biophysical properties (such as structural, functional, and spatial information, amino acid conservation, physicochemical variation, residue mobility, and thermodynamic stability) performed at Invitae indicates that this missense variant is expected to disrupt G6PD protein function. ClinVar contains an entry for this variant (Variation ID: 10416). This missense change has been observed in individual(s) with G6PD-related conditions (PMID: 7825590, 17233850, 33069889). This variant is present in population databases (rs137852349, gnomAD 0.02%). This sequence change replaces tyrosine, which is neutral and polar, with histidine, which is basic and polar, at codon 70 of the G6PD protein (p.Tyr70His).

Lifecell International Pvt. Ltd
Classification: Likely pathogenic for Anemia, nonspherocytic hemolytic, due to G6PD deficiency. Review status: criteria provided, single submitter. Criteria: ACMG Guidelines, 2015. Collection method: clinical testing. Allele origin: germline. Inheritance: X-linked recessive inheritance. Affected: yes.
Comment: This variant in exon 4 of the G6PD gene results in the amino acid substitution from Tyrosine to Histidine at codon 100 (p.Tyr100His) with the sequence change of c.298T>C (NM_000402.4). There is a moderate physicochemical difference between Tyrosine and Histidine. The observed variant is not present in both the 1000 Genomes and gnomAD databases. The reference base is conserved across the species and in-silico predictions by Polyphen and SIFT are damaging. This variant lies in the Glucose-6-phosphate dehydrogenase, NAD binding domain of the Glucose-6-phosphate 1-dehydrogenase protein. This is a Class II variant associated with moderate G6PD deficiency (<10% activity), with intermittent hemolysis. This variant is also known as G6PD Namoru in the literature. This variant has previously been reported for Glucose-6- phosphate dehydrogenase (G6PD) deficiency by Arunachalam AK et al., 2019 and Chalvam R., et al. 2007; PMID: 17233850, Ganczakowski M et al. 1995; PMID: 7825590.

OMIM
Classification: other for G6PD NAMORU. Last evaluated: 2016-07-28. Review status: no assertion criteria provided. Collection method: literature only. Allele origin: germline. Not counted in ClinVar's aggregate classification.

Literature cited by the submitters: PubMed 7825590 (cited by Dunham Lab, University of Washington and Labcorp Genetics (formerly Invitae), Labcorp); PubMed 32425388 (cited by Dunham Lab, University of Washington); PubMed 7577654 (cited by Labcorp Genetics (formerly Invitae), Labcorp); PubMed 20621077 (cited by Labcorp Genetics (formerly Invitae), Labcorp); PubMed 21446359 (cited by Labcorp Genetics (formerly Invitae), Labcorp); PubMed 17233850 (cited by Labcorp Genetics (formerly Invitae), Labcorp and OMIM); PubMed 33069889 (cited by Labcorp Genetics (formerly Invitae), Labcorp).